The following is an entry in ClinVar:

ClinVar aggregate classification (germline): Uncertain significance (1 of 4 stars; one submission).

Conditions:
Dilated cardiomyopathy 1G (CMD1G). Identifiers: Orphanet 154, MedGen C1858763, MONDO:0011400, OMIM 604145.
Autosomal recessive limb-girdle muscular dystrophy type 2J (LGMDR10). Also called: Limb-girdle muscular dystrophy, type 2J; MUSCULAR DYSTROPHY, LIMB-GIRDLE, AUTOSOMAL RECESSIVE 10. Identifiers: Orphanet 140922, MedGen C1837342, MONDO:0012127, OMIM 608807.

Submission:

Labcorp Genetics (formerly Invitae), Labcorp
Classification: Uncertain significance for Dilated cardiomyopathy 1G; Autosomal recessive limb-girdle muscular dystrophy type 2J. Last evaluated: 2024-01-02. Review status: criteria provided, single submitter. Criteria: Invitae Variant Classification Sherloc (09022015). Collection method: clinical testing. Allele origin: germline.
Comment: This sequence change replaces serine, which is neutral and polar, with proline, which is neutral and non-polar, at codon 35875 of the TTN protein (p.Ser35875Pro). This variant is not present in population databases (gnomAD no frequency). This variant has not been reported in the literature in individuals affected with TTN-related conditions. Experimental studies and prediction algorithms are not available or were not evaluated, and the functional significance of this variant is currently unknown. This variant is located in the M band of TTN (PMID: 25589632). Non-truncating variants in this region may be relevant for neuromuscular disorders, but have not been definitively shown to cause cardiomyopathy (PMID: 23975875). In summary, the available evidence is currently insufficient to determine the role of this variant in disease. Therefore, it has been classified as a Variant of Uncertain Significance.

Literature cited by the submitters: PubMed 25589632; PubMed 23975875.

NM_001267550.2(TTN):c.107623T>C (p.Ser35875Pro)

Genes: TTN-AS1 (TTN antisense RNA 1; plus strand), TTN (titin; minus strand). Cytogenetic location: 2q31.2.
Variant type: single nucleotide variant.
Coding change: c.107623T>C on transcript NM_001267550.2 (MANE Select); coding-DNA position 107623, T replaced by C.
Protein change: p.Ser35875Pro; replaces serine 35875 with proline.
Molecular consequence: missense variant.
Genome position (GRCh38, 1-based): chr2:178,527,503, A>G on the plus strand (T>C on the coding strand, the complement: TTN is on the minus strand). VCF-style: chr2-178527503-A-G. GRCh37 (hg19) VCF-style: chr2-179392230-A-G.
Other names: c.102700T>C, p.Ser34234Pro (NM_001256850.1); c.80428T>C, p.Ser26810Pro (NM_003319.4); c.99919T>C, p.Ser33307Pro (NM_133378.4); c.80803T>C, p.Ser26935Pro (NM_133432.3); c.81004T>C, p.Ser27002Pro (NM_133437.4); short protein forms S26935P, S33307P, S34234P, S27002P, S26810P, S35875P.
Identifiers: ClinVar variation 2948282 (VCV002948282.1), dbSNP rs2468246276, ClinGen allele CA349399909.